The following is an entry in ClinVar:

ClinVar aggregate classification (germline): Uncertain significance (1 of 4 stars; one submission).

gnomAD v4.1: 4 of 1,614,140 alleles (0.00025%); highest among the groups gnomAD compares: South Asian, 0.0044%; no homozygotes.

Submission:

Ambry Genetics
Classification: Uncertain significance. Last evaluated: 2026-08-15. Review status: criteria provided, single submitter. Criteria: Ambry Variant Classification Scheme 2023. Collection method: clinical testing. Allele origin: germline.
Comment: The p.E127Q variant (also known as c.379G>C), located in coding exon 2 of the GALNT12 gene, results from a G to C substitution at nucleotide position 379. The glutamic acid at codon 127 is replaced by glutamine, an amino acid with highly similar properties. This amino acid position is conserved. In addition, this alteration is predicted to be tolerated by in silico analysis. Based on the available evidence, the clinical significance of this variant remains unclear.

NM_024642.5(GALNT12):c.379G>C (p.Glu127Gln)

Gene: GALNT12 (polypeptide N-acetylgalactosaminyltransferase 12; plus strand). Cytogenetic location: 9q22.33.
Variant type: single nucleotide variant.
Coding change: c.379G>C on transcript NM_024642.5 (MANE Select); coding-DNA position 379, G replaced by C.
Protein change: p.Glu127Gln; replaces glutamic acid 127 with glutamine.
Molecular consequence: missense variant.
Genome position (GRCh38, 1-based): chr9:98,823,263, G>C. VCF-style: chr9-98823263-G-C. GRCh37 (hg19) VCF-style: chr9-101585545-G-C.
Other names: short protein forms E127Q.
Identifiers: ClinVar variation 5022150 (VCV005022150.1).
Genomic context (GRCh38, chr9:98,823,263, plus strand): 5'-CAGTGCCAGCCTGGGCTAGATCCTGAGTTCCTGAAGTTCCGCTGTATTTGCAGGTGCAAA[G>C]AGAAGAAATATGATTATGATAATTTGCCCAGGACATCTGTTATCATAGCATTTTATAATG-3'
Protein context (NP_078918.3, residues 117-137): LPERWNPLCK[Glu127Gln]KKYDYDNLPR